The following is an entry in ClinVar:

NM_000431.4(MVK):c.1073A>C (p.Gln358Pro)

Gene: MVK (mevalonate kinase; plus strand). Cytogenetic location: 12q24.11.
Variant type: single nucleotide variant.
Coding change: c.1073A>C on transcript NM_000431.4 (MANE Select); coding-DNA position 1073, A replaced by C.
Protein change: p.Gln358Pro; replaces glutamine 358 with proline.
Molecular consequence: missense variant.
Genome position (GRCh38, 1-based): chr12:109,596,459, A>C. VCF-style: chr12-109596459-A-C. GRCh37 (hg19) VCF-style: chr12-110034264-A-C.
Other names: c.1073A>C, p.Gln358Pro (NM_001114185.3); c.917A>C, p.Gln306Pro (NM_001301182.2); short protein forms Q358P, Q306P.
Identifiers: ClinVar variation 854441 (VCV000854441.9), dbSNP rs1885916592, ClinGen allele CA386651278.

ClinVar aggregate classification (germline): Uncertain significance (1 of 4 stars; one submission).

Conditions:
Mevalonic aciduria (MEVA). Identifiers: Orphanet 29, MedGen C1959626, MONDO:0012481, OMIM 610377.
Porokeratosis 3, disseminated superficial actinic type (POROK3). Also called: POROKERATOSIS, DISSEMINATED SUPERFICIAL ACTINIC, 1; POROKERATOSIS 3, MULTIPLE TYPES; POROKERATOSIS 3, MIBELLI TYPE. Identifiers: MedGen C1867981, MONDO:0008293, OMIM 175900.
Hyperimmunoglobulin D with periodic fever (HIDS). Also called: HYPERIMMUNOGLOBULINEMIA D AND PERIODIC FEVER SYNDROME; Hyperimmunoglobulinemia D with periodic fever; Hyperimmunoglobulinemia D. Identifiers: Orphanet 343, MedGen C0398691, MONDO:0009849, OMIM 260920.

Allele frequency attached by ClinVar (database versions not stated): gnomAD exomes below 0.00001.

Submission:

Labcorp Genetics (formerly Invitae), Labcorp
Classification: Uncertain significance for Mevalonic aciduria; Hyperimmunoglobulin D with periodic fever; Porokeratosis 3, disseminated superficial actinic type. Last evaluated: 2019-03-25. Review status: criteria provided, single submitter. Criteria: Invitae Variant Classification Sherloc (09022015). Collection method: clinical testing. Allele origin: germline.
Comment: In summary, the available evidence is currently insufficient to determine the role of this variant in disease. Therefore, it has been classified as a Variant of Uncertain Significance. Algorithms developed to predict the effect of missense changes on protein structure and function are either unavailable or do not agree on the potential impact of this missense change (SIFT: "Tolerated"; PolyPhen-2: "Possibly Damaging"; Align-GVGD: "Class C0"). This variant has not been reported in the literature in individuals with MVK-related conditions. This variant is not present in population databases (ExAC no frequency). This sequence change replaces glutamine with proline at codon 358 of the MVK protein (p.Gln358Pro). The glutamine residue is weakly conserved and there is a moderate physicochemical difference between glutamine and proline.